The following is an entry in ClinVar:

NM_000302.4(PLOD1):c.2051G>A (p.Arg684His)

Gene: PLOD1 (procollagen-lysine,2-oxoglutarate 5-dioxygenase 1; plus strand). Cytogenetic location: 1p36.22.
Variant type: single nucleotide variant.
Coding change: c.2051G>A on transcript NM_000302.4 (MANE Select); coding-DNA position 2051, G replaced by A.
Protein change: p.Arg684His; replaces arginine 684 with histidine.
Molecular consequence: missense variant.
Genome position (GRCh38, 1-based): chr1:11,974,675, G>A. VCF-style: chr1-11974675-G-A. GRCh37 (hg19) VCF-style: chr1-12034732-G-A.
Other names: c.2192G>A, p.Arg731His (NM_001316320.2); short protein forms R684H, R731H.
Identifiers: ClinVar variation 1305832 (VCV001305832.7), dbSNP rs772498138, ClinGen allele CA598668.

ClinVar aggregate classification (germline): Uncertain significance. Review status: criteria provided, multiple submitters, no conflicts (2 of 4 stars). 4 submissions from 4 submitters: Uncertain significance (4). Last evaluated 2025-03-07.

Conditions:
Ehlers-Danlos syndrome, kyphoscoliotic type 1 (EDSKSCL1). Also called: EHLERS-DANLOS SYNDROME, TYPE VIA; EHLERS-DANLOS SYNDROME, OCULAR-SCOLIOTIC TYPE; PLOD1-Related Kyphoscoliotic Ehlers-Danlos Syndrome; Ehlers-Danlos syndrome, hydroxylysine-deficient. Identifiers: Orphanet 1900, MedGen C0268342, MONDO:0016002, OMIM 225400. Disease mechanism: loss of function.
Familial thoracic aortic aneurysm and aortic dissection (TAAD). Also called: Thoracic aortic aneurysms and dissections. Identifiers: Orphanet 91387, MedGen C4707243, MONDO:0019625.

Allele frequency attached by ClinVar (database versions not stated): gnomAD exomes below 0.00001 and 0.00002; ExAC 0.00001; gnomAD 0.00001.
gnomAD v4.1: 37 of 1,613,802 alleles (0.0023%); highest among the groups gnomAD compares: Non-Finnish European, 0.0028%; no homozygotes.

Submissions (4):

Ambry Genetics
Classification: Uncertain significance for Familial thoracic aortic aneurysm and aortic dissection. Last evaluated: 2025-03-07. Review status: criteria provided, single submitter. Criteria: Ambry Variant Classification Scheme 2023. Collection method: clinical testing. Allele origin: germline.

Labcorp Genetics (formerly Invitae), Labcorp
Classification: Uncertain significance for Ehlers-Danlos syndrome, kyphoscoliotic type 1. Last evaluated: 2024-10-23. Review status: criteria provided, single submitter. Criteria: Invitae Variant Classification Sherloc (09022015). Collection method: clinical testing. Allele origin: germline.
Comment: This sequence change replaces arginine, which is basic and polar, with histidine, which is basic and polar, at codon 684 of the PLOD1 protein (p.Arg684His). This variant is present in population databases (rs772498138, gnomAD 0.006%). This variant has not been reported in the literature in individuals affected with PLOD1-related conditions. ClinVar contains an entry for this variant (Variation ID: 1305832). Invitae Evidence Modeling of protein sequence and biophysical properties (such as structural, functional, and spatial information, amino acid conservation, physicochemical variation, residue mobility, and thermodynamic stability) has been performed for this missense variant. However, the output from this modeling did not meet the statistical confidence thresholds required to predict the impact of this variant on PLOD1 protein function. In summary, the available evidence is currently insufficient to determine the role of this variant in disease. Therefore, it has been classified as a Variant of Uncertain Significance.

Fulgent Genetics
Classification: Uncertain significance for Ehlers-Danlos syndrome, kyphoscoliotic type 1. Last evaluated: 2021-10-25. Review status: criteria provided, single submitter. Criteria: ACMG Guidelines, 2015. Collection method: clinical testing. Allele origin: unknown.

GeneDx
Classification: Uncertain significance. Last evaluated: 2019-05-28. Review status: criteria provided, single submitter. Criteria: GeneDx Variant Classification Process June 2021. Collection method: clinical testing. Allele origin: germline. Affected: yes.